The following is an entry in ClinVar:

ClinVar aggregate classification (germline): Uncertain significance (1 of 4 stars; one submission).

Submission:

Labcorp Genetics (formerly Invitae), Labcorp
Classification: Uncertain significance. Last evaluated: 2022-11-15. Review status: criteria provided, single submitter. Criteria: Invitae Variant Classification Sherloc (09022015). Collection method: clinical testing. Allele origin: germline.
Comment: In summary, the available evidence is currently insufficient to determine the role of this variant in disease. Therefore, it has been classified as a Variant of Uncertain Significance. Algorithms developed to predict the effect of sequence changes on RNA splicing suggest that this variant may create or strengthen a splice site. This variant has not been reported in the literature in individuals affected with TNS2-related conditions. This variant is not present in population databases (gnomAD no frequency). This sequence change falls in intron 10 of the TNS2 gene. It does not directly change the encoded amino acid sequence of the TNS2 protein.

NM_170754.4(TNS2):c.762-19C>G

Genes: MIR6757 (microRNA 6757; plus strand), TNS2 (tensin 2; plus strand). Cytogenetic location: 12q13.13.
Variant type: single nucleotide variant.
Coding change: c.762-19C>G on transcript NM_170754.4 (MANE Select); 19 bases into the intron before coding-DNA position 762, C replaced by G.
Molecular consequence: intron variant. On other transcripts: non-coding transcript variant (1).
Genome position (GRCh38, 1-based): chr12:53,056,994, C>G. VCF-style: chr12-53056994-C-G. GRCh37 (hg19) VCF-style: chr12-53450778-C-G.
Other names: c.390-19C>G (NM_198316.2); c.762-19C>G (NM_001416202.1, NM_001416204.1); c.693-19C>G (NM_001416203.1, NM_015319.3).
Identifiers: ClinVar variation 2086441 (VCV002086441.4), dbSNP rs1944183225, ClinGen allele CA947725155.